The following is an entry in ClinVar:

ClinVar aggregate classification (germline): Conflicting classifications of pathogenicity. Review status: criteria provided, conflicting classifications (1 of 4 stars). 11 submissions from 11 submitters: Uncertain significance (2); Benign (2); Likely benign (4). 3 of the submissions do not count toward it. Last evaluated 2026-01-19.

Conditions:
CACNA1C-related disorder. Also called: CACNA1C-related condition; CACNA1C-related disorders. Identifiers: MedGen CN381092, MONDO:0700321.
Long QT syndrome (LQTS). Identifiers: MedGen C0023976, MeSH D008133, MONDO:0002442. Disease mechanism: loss of function. Inheritance: Various modes of inheritance.
Intellectual disability. Also called: Intellectual developmental disorder; Intellectual functioning disability; intellectual disabilities. Identifiers: MedGen C3714756, MeSH D008607, MONDO:0001071, HP:0001249.

Allele frequency attached by ClinVar (database versions not stated): ExAC 0.00017; gnomAD 0.00021; TOPMed 0.00022; ESP Exome Variant Server 0.00023; gnomAD exomes 0.00023.
gnomAD v4.1: 493 of 1,613,770 alleles (0.031%); highest among the groups gnomAD compares: South Asian, 0.077%; 2 homozygotes.

Submissions (11):

Labcorp Genetics (formerly Invitae), Labcorp
Classification: Likely benign for Long QT syndrome. Last evaluated: 2026-01-19. Review status: criteria provided, single submitter. Criteria: Invitae Variant Classification Sherloc (09022015). Collection method: clinical testing. Allele origin: germline.

Laboratory of Genetics, Children's Clinical University Hospital Latvia
Classification: Likely benign. Last evaluated: 2025-02-16. Review status: criteria provided, single submitter. Criteria: ACMG Guidelines, 2015. Collection method: clinical testing. Allele origin: germline. Affected: yes.

Women's Health and Genetics/Laboratory Corporation of America, LabCorp
Classification: Benign. Last evaluated: 2025-02-10. Review status: criteria provided, single submitter. Criteria: LabCorp Variant Classification Summary - May 2015. Collection method: clinical testing. Allele origin: germline.
Comment: Variant summary: CACNA1C c.3946-12G>A alters a conserved nucleotide located at a position not widely known to affect splicing. Two of two in-silico tools predict a benign effect of the variant on protein function. Consensus agreement among computation tools predict no significant impact on normal splicing. However, these predictions have yet to be confirmed by functional studies. The variant allele was found at a frequency of 0.00023 in 249296 control chromosomes, predominantly at a frequency of 0.00049 within the South Asian subpopulation in the gnomAD database. The observed variant frequency within South Asian control individuals in the gnomAD database is approximately 49 fold of the estimated maximal expected allele frequency for a pathogenic variant in CACNA1C causing Timothy Syndrome phenotype (1e-05). c.3946-12G>A has been reported in the literature in at-least one individual with Brugada syndrome, without strong evidence of causality (example: Di Resta_2015). These report(s) do not provide unequivocal conclusions about association of the variant with Timothy Syndrome. To our knowledge, no experimental evidence demonstrating an impact on protein function has been reported. The following publication have been ascertained in the context of this evaluation (PMID: 26220970). ClinVar contains an entry for this variant (Variation ID: 190617). Based on the evidence outlined above, the variant was classified as benign.

Blueprint Genetics
Classification: Likely benign. Last evaluated: 2024-11-14. Review status: criteria provided, single submitter. Criteria: ACMG Guidelines, 2015. Collection method: clinical testing. Allele origin: germline.

CeGaT Center for Human Genetics Tuebingen
Classification: Uncertain significance. Last evaluated: 2024-11-01. Review status: criteria provided, single submitter. Criteria: CeGaT Center For Human Genetics Tuebingen Variant Classification Criteria Version 2. Collection method: clinical testing. Allele origin: germline. Affected: yes. Observed: 1 variant allele.
Comment: CACNA1C: PP2, PP3

GeneDx
Classification: Likely benign. Last evaluated: 2020-03-18. Review status: criteria provided, single submitter. Criteria: GeneDx Variant Classification Process June 2021. Collection method: clinical testing. Allele origin: germline. Affected: yes.
Comment: This variant is associated with the following publications: (PMID: 26220970)

Cambridge Genomics Laboratory, East Genomic Laboratory Hub, NHS Genomic Medicine Service
Classification: Benign for Intellectual disability. Last evaluated: 2019-04-17. Review status: criteria provided, single submitter. Criteria: ACGS Best Practice Guidelines for Variant Classification in Rare Disease 2020. Collection method: clinical testing. Allele origin: germline. Affected: yes. Observed: 1 variant allele.

Biesecker Lab/Clinical Genomics Section, National Institutes of Health
Classification: Uncertain significance. Last evaluated: 2013-06-24. Review status: criteria provided, single submitter. Criteria: Ng et al. (Circ Cardiovasc Genet. 2013). Collection method: research. Allele origin: unknown. Observed: 1 variant allele. Study: ClinSeq.
Comment: The study set was not selected for affection status in relation to any cancer. Pathogenicity categories were based on literature curation. See Pubmed ID:23861362 for details.

Medical sequencing

PreventionGenetics, part of Exact Sciences
Classification: Likely benign for CACNA1C-related condition. Last evaluated: 2023-08-22. Review status: no assertion criteria provided. Collection method: clinical testing. Allele origin: germline. Not counted in ClinVar's aggregate classification.
Comment: This variant is classified as likely benign based on ACMG/AMP sequence variant interpretation guidelines (Richards et al. 2015 PMID: 25741868, with internal and published modifications).

Clinical Genetics, Academic Medical Center
Classification: Likely benign. Review status: no assertion criteria provided. Collection method: clinical testing. Allele origin: germline. Affected: yes. Study: VKGL Data-share Consensus. Not counted in ClinVar's aggregate classification.

Joint Genome Diagnostic Labs from Nijmegen and Maastricht, Radboudumc and MUMC+
Classification: Likely benign. Review status: no assertion criteria provided. Collection method: clinical testing. Allele origin: germline. Affected: yes. Study: VKGL Data-share Consensus. Not counted in ClinVar's aggregate classification.

Literature cited by the submitters: PubMed 26220970 (cited by Women's Health and Genetics/Laboratory Corporation of America, LabCorp).

NM_000719.7(CACNA1C):c.3946-12G>A

Gene: CACNA1C (calcium voltage-gated channel subunit alpha1 C; plus strand). Cytogenetic location: 12p13.33.
Variant type: single nucleotide variant.
Coding change: c.3946-12G>A on transcript NM_000719.7 (MANE Select); 12 bases into the intron before coding-DNA position 3946, G replaced by A.
Molecular consequence: intron variant. On other transcripts: missense variant (1).
Genome position (GRCh38, 1-based): chr12:2,651,628, G>A. VCF-style: chr12-2651628-G-A. GRCh37 (hg19) VCF-style: chr12-2760794-G-A.
Other names: c.4000G>A, p.Asp1334Asn (NM_001129829.2); c.3946-12G>A (NM_001167624.3, NM_001167623.2, NM_001129840.2 and 7 more transcripts); c.3913-12G>A (NM_001167625.2, NM_001129837.2, NM_001129838.2 and 1 more transcripts); c.4090-12G>A (NM_199460.4, NM_001129827.2); c.4006-12G>A (NM_001129832.2); c.4030-12G>A (NM_001129831.2); c.3907-12G>A (NM_001129839.2); c.3997-12G>A (NM_001129836.2); and 2 more; short protein forms D1334N.
Identifiers: ClinVar variation 190617 (VCV000190617.34), dbSNP rs41276706, ClinGen allele CA301127.
Genomic context (GRCh38, chr12:2,651,628, plus strand): 5'-TCGGAGGGGCCCTCCTGTTCTCACCCCCCTCTTGCTGTGCTAACTGCACCTCCTGTTGCC[G>A]ACGGGTTCCAGAACGCAGAGGAAAACTCCCGCATCTCCATCACCTTCTTCCGCCTGTTCC-3'